The following is an entry in ClinVar:

NM_000458.4(HNF1B):c.1207-7C>T

Gene: HNF1B (HNF1 homeobox B; minus strand). Cytogenetic location: 17q12.
Variant type: single nucleotide variant.
Coding change: c.1207-7C>T on transcript NM_000458.4 (MANE Select); 7 bases into the intron before coding-DNA position 1207, C replaced by T.
Molecular consequence: intron variant.
Genome position (GRCh38, 1-based): chr17:37,705,056, G>A on the plus strand (C>T on the coding strand, the complement: HNF1B is on the minus strand). VCF-style: chr17-37705056-G-A. GRCh37 (hg19) VCF-style: chr17-36065063-G-A.
Other names: c.1207-7C>T (NM_000458.3); c.1129-7C>T (NM_001304286.2, NM_001165923.4).
Identifiers: ClinVar variation 447509 (VCV000447509.7), dbSNP rs1215174368, ClinGen allele CA625890003.

ClinVar aggregate classification (germline): Conflicting classifications of pathogenicity. Review status: criteria provided, conflicting classifications (1 of 4 stars). 4 submissions from 4 submitters: Uncertain significance (1); Benign (1); Likely benign (1). 1 of the submissions does not count toward it. Last evaluated 2023-05-18.

Conditions:
HNF1B-related disorder. Also called: HNF1B-related condition; HNF1B-related disorders.
Maturity-onset diabetes of the young (MODY). Also called: Maturity onset diabetes mellitus in young. Identifiers: Orphanet 552, MedGen C0342276, MONDO:0018911, HP:0004904.

Allele frequency attached by ClinVar (database versions not stated): gnomAD exomes below 0.00001 and 0.00001; TOPMed below 0.00001.
gnomAD v4.1: 19 of 1,612,898 alleles (0.0012%); highest among the groups gnomAD compares: Non-Finnish European, 0.0016%; no homozygotes.

Submissions (4):

Labcorp Genetics (formerly Invitae), Labcorp
Classification: Likely benign. Last evaluated: 2023-05-18. Review status: criteria provided, single submitter. Criteria: Invitae Variant Classification Sherloc (09022015). Collection method: clinical testing. Allele origin: germline.

Athena Diagnostics
Classification: Uncertain significance. Last evaluated: 2016-09-16. Review status: criteria provided, single submitter. Criteria: Athena Diagnostics Criteria. Collection method: clinical testing. Allele origin: germline.

Clinical Genomics, Uppaluri K&H Personalized Medicine Clinic
Classification: Benign for Maturity-onset diabetes of the young. Review status: criteria provided, single submitter. Criteria: K & H Uppaluri Personalized Medicine Clinic Variant Classification & Assertion Criteria_Updated V.1. Collection method: research. Allele origin: unknown. Inheritance: Autosomal dominant inheritance.
Comment: HNF1B gene mutations are associated with early onset diabetes and pancreatic atrophy. It is also associated with multiple renal manifestations including renal cysts, Tubulointerstitial disease, glomerulocystic disease, renal hypoplasia, hypomagnesemia. However no sufficient evidence is found to ascertain the role of this particular variant rs1215174368 , yet.

PreventionGenetics, part of Exact Sciences
Classification: Likely benign for HNF1B-related condition. Last evaluated: 2024-03-11. Review status: no assertion criteria provided. Collection method: clinical testing. Allele origin: germline. Not counted in ClinVar's aggregate classification.
Comment: This variant is classified as likely benign based on ACMG/AMP sequence variant interpretation guidelines (Richards et al. 2015 PMID: 25741868, with internal and published modifications).

Literature cited by the submitters: PubMed 24897035 (cited by Clinical Genomics, Uppaluri K&H Personalized Medicine Clinic); PubMed 25536396 (cited by Clinical Genomics, Uppaluri K&H Personalized Medicine Clinic); PubMed 27615128 (cited by Clinical Genomics, Uppaluri K&H Personalized Medicine Clinic); PubMed 28215227 (cited by Clinical Genomics, Uppaluri K&H Personalized Medicine Clinic); PubMed 33434175 (cited by Clinical Genomics, Uppaluri K&H Personalized Medicine Clinic); PubMed 25741167 (cited by Clinical Genomics, Uppaluri K&H Personalized Medicine Clinic); PubMed 26340261 (cited by Clinical Genomics, Uppaluri K&H Personalized Medicine Clinic); PubMed 19639018 (cited by Clinical Genomics, Uppaluri K&H Personalized Medicine Clinic).